The following is an entry in ClinVar:

NM_006506.5(RASA2):c.776A>G (p.Asn259Ser)

Gene: RASA2 (RAS p21 protein activator 2; plus strand). Cytogenetic location: 3q23.
Variant type: single nucleotide variant.
Coding change: c.776A>G on transcript NM_006506.5 (MANE Select); coding-DNA position 776, A replaced by G.
Protein change: p.Asn259Ser; replaces asparagine 259 with serine.
Molecular consequence: missense variant.
Genome position (GRCh38, 1-based): chr3:141,559,908, A>G. VCF-style: chr3-141559908-A-G. GRCh37 (hg19) VCF-style: chr3-141278750-A-G.
Other names: c.776A>G, p.Asn259Ser (NM_001303245.3, NM_001303246.3); short protein forms N259S.
Identifiers: ClinVar variation 2018497 (VCV002018497.4), dbSNP rs759454726, ClinGen allele CA354773006.

ClinVar aggregate classification (germline): Uncertain significance (1 of 4 stars; one submission).

Allele frequency attached by ClinVar (database versions not stated): gnomAD exomes below 0.00001.
gnomAD v4.1: 1 of 1,613,146 alleles (0.000062%); highest among the groups gnomAD compares: South Asian, 0.0011%; no homozygotes.

Submission:

Labcorp Genetics (formerly Invitae), Labcorp
Classification: Uncertain significance. Last evaluated: 2022-07-21. Review status: criteria provided, single submitter. Criteria: Invitae Variant Classification Sherloc (09022015). Collection method: clinical testing. Allele origin: germline.
Comment: In summary, the available evidence is currently insufficient to determine the role of this variant in disease. Therefore, it has been classified as a Variant of Uncertain Significance. Algorithms developed to predict the effect of missense changes on protein structure and function are either unavailable or do not agree on the potential impact of this missense change (SIFT: "Tolerated"; PolyPhen-2: "Possibly Damaging"; Align-GVGD: "Class C0"). This variant has not been reported in the literature in individuals affected with RASA2-related conditions. This variant is not present in population databases (gnomAD no frequency). This sequence change replaces asparagine, which is neutral and polar, with serine, which is neutral and polar, at codon 259 of the RASA2 protein (p.Asn259Ser).